The following is an entry in ClinVar:

NM_001876.4(CPT1A):c.890dup (p.Leu297fs)

Gene: CPT1A (carnitine palmitoyltransferase 1A; minus strand). Cytogenetic location: 11q13.3.
Variant type: Duplication.
Coding change: c.890dup on transcript NM_001876.4 (MANE Select); coding-DNA position 890, one base duplicated (T; older notation c.890dupT).
Protein change: p.Leu297fs; shifts the reading frame from leucine 297.
Molecular consequence: frameshift variant.
Genome position (GRCh38, 1-based): chr11:68,793,392, A duplicated on the plus strand (T on the coding strand, the reverse complement: CPT1A is on the minus strand); the first of 4 consecutive A bases (chr11:68,793,392-68,793,395); duplicating any one gives the same sequence. VCF-style (leftmost placement, unchanged base first): chr11-68793391-C-CA. GRCh37 (hg19) VCF-style: chr11-68560859-C-CA.
Other names: c.890dup, p.Leu297fs (NM_001031847.3, NM_001440358.1, NM_001440359.1 and 4 more transcripts); c.782dup, p.Leu261fs (NM_001440363.1); c.704dup, p.Leu235fs (NM_001440365.1); short protein forms L235fs, L261fs, L297fs.
Identifiers: ClinVar variation 5011974 (VCV005011974.1).

ClinVar aggregate classification (germline): Pathogenic (1 of 4 stars; one submission).

Conditions:
Carnitine palmitoyl transferase 1A deficiency. Also called: Carnitine palmitoyltransferase 1A deficiency; CPT deficiency, hepatic, type IA; Carnitine palmitoyltransferase type I deficiency; CPT I DEFICIENCY; CPT DEFICIENCY, HEPATIC, TYPE I. Identifiers: Orphanet 156, MedGen C1829703, MONDO:0009705, OMIM 255120.

Submission:

Myriad Genetics, Inc.
Classification: Pathogenic for Carnitine palmitoyl transferase 1A deficiency. Last evaluated: 2023-09-27. Review status: criteria provided, single submitter. Criteria: Myriad Autosomal Dominant, Autosomal Recessive and X-Linked Classification Criteria (2023). Collection method: clinical testing. Allele origin: unknown.
Comment: NM_001876.3(CPT1A):c.890dupT(L297Ffs*17) is expected to be pathogenic in the context of carnitine palmitoyltransferase IA deficiency. This variant is predicted to lead to an abnormal or absent protein product due to the creation of a premature termination codon in CPT1A, a gene where loss-of-function variants are known to be pathogenic. Please note: this variant was assessed in the context of healthy population screening.